The following is an entry in ClinVar:

NM_003334.4(UBA1):c.347T>G (p.Phe116Cys)

Gene: UBA1 (ubiquitin like modifier activating enzyme 1; plus strand). Cytogenetic location: Xp11.3.
Variant type: single nucleotide variant.
Coding change: c.347T>G on transcript NM_003334.4 (MANE Select); coding-DNA position 347, T replaced by G.
Protein change: p.Phe116Cys; replaces phenylalanine 116 with cysteine.
Molecular consequence: missense variant.
Genome position (GRCh38, 1-based): chrX:47,199,481, T>G. VCF-style: chrX-47199481-T-G. GRCh37 (hg19) VCF-style: chrX-47058880-T-G.
Other names: c.347T>G, p.Phe116Cys (NM_153280.3); short protein forms F116C.
Identifiers: ClinVar variation 2421555 (VCV002421555.30), dbSNP rs1936324312, ClinGen allele CA412788425.
Genomic context (GRCh38, chrX:47,199,481, plus strand): 5'-CACCACTGTTCCCGGTGCCACAGCCATTTCATCTTTTTCCCTACTGCACACCCTTACAGT[T>G]CTACCTGCGGGAGGAGGACATCGGTAAAAACCGGGCCGAGGTATCACAGCCCCGCCTCGC-3'
Protein context (NP_003325.2, residues 106-126): TAQWADLSSQ[Phe116Cys]YLREEDIGKN

ClinVar aggregate classification (germline): Uncertain significance. Review status: criteria provided, multiple submitters, no conflicts (2 of 4 stars). 2 submissions from 2 submitters: Uncertain significance (2). Last evaluated 2022-05-01.

Conditions:
Infantile-onset X-linked spinal muscular atrophy. Also called: AMC, DISTAL, X-LINKED; ARTHROGRYPOSIS, X-LINKED, TYPE I; SPINAL MUSCULAR ATROPHY, X-LINKED LETHAL INFANTILE; Spinal Muscular Atrophy, X-Linked Infantile; Spinal muscular atrophy, X-linked 2. Identifiers: Orphanet 1145, MedGen C1844934, MONDO:0010532, OMIM 301830.

Allele frequency attached by ClinVar (database versions not stated): TOPMed below 0.00001; gnomAD exomes 0.00001.
gnomAD v4.1: 4 of 1,211,790 alleles (0.00033%); highest among the groups gnomAD compares: Non-Finnish European, 0.00045%; no homozygotes.

Submissions (2):

CeGaT Center for Human Genetics Tuebingen
Classification: Uncertain significance. Last evaluated: 2022-05-01. Review status: criteria provided, single submitter. Criteria: CeGaT Center For Human Genetics Tuebingen Variant Classification Criteria Version 2. Collection method: clinical testing. Allele origin: germline. Affected: yes. Observed: 1 variant allele.
Comment: UBA1: PM2, PP3, PP4

Labcorp Genetics (formerly Invitae), Labcorp
Classification: Uncertain significance for Infantile-onset X-linked spinal muscular atrophy. Last evaluated: 2022-03-14. Review status: criteria provided, single submitter. Criteria: Invitae Variant Classification Sherloc (09022015). Collection method: clinical testing. Allele origin: germline.
Comment: This variant has not been reported in the literature in individuals affected with UBA1-related conditions. In summary, the available evidence is currently insufficient to determine the role of this variant in disease. Therefore, it has been classified as a Variant of Uncertain Significance. Algorithms developed to predict the effect of missense changes on protein structure and function are either unavailable or do not agree on the potential impact of this missense change (SIFT: "Deleterious"; PolyPhen-2: "Probably Damaging"; Align-GVGD: "Class C0"). This variant is not present in population databases (gnomAD no frequency). This sequence change replaces phenylalanine, which is neutral and non-polar, with cysteine, which is neutral and slightly polar, at codon 116 of the UBA1 protein (p.Phe116Cys).